The following is an entry in ClinVar:

NM_020778.5(ALPK3):c.3688GAG[2] (p.Glu1232del)

Gene: ALPK3 (alpha kinase 3; plus strand). Cytogenetic location: 15q25.3.
Variant type: Microsatellite.
Coding change: c.3688GAG[2] on transcript NM_020778.5 (MANE Select); two copies in a row of the 3-base unit GAG starting at c.3688; the reference has three copies in a row; one copy, 3 bases deleted; also written c.3694_3696del.
Protein change: p.Glu1232del; deletes glutamic acid 1232.
Molecular consequence: inframe deletion.
Genome position (GRCh38, 1-based): chr15:84,858,432-84,858,434, GAG deleted; deleting any 3 consecutive bases within chr15:84,858,426-84,858,434 gives the same sequence; the position shown is the placement nearest the transcript's 3' end. VCF-style (leftmost placement, unchanged base first): chr15-84858425-AGAG-A. GRCh37 (hg19) VCF-style: chr15-85401656-AGAG-A.
Other names: c.3694_3696del (NM_020778.5); short protein forms E1232del.
Identifiers: ClinVar variation 1739554 (VCV001739554.10), dbSNP rs2505722662, ClinGen allele CA912994711.

ClinVar aggregate classification (germline): Uncertain significance. Review status: criteria provided, multiple submitters, no conflicts (2 of 4 stars). 4 submissions from 4 submitters: Uncertain significance (4). Last evaluated 2026-10-09.

Conditions:
Cardiovascular phenotype. Identifiers: MedGen CN230736.

Submissions (4):

GeneDx
Classification: Uncertain significance. Last evaluated: 2026-10-09. Review status: criteria provided, single submitter. Criteria: GeneDx Variant Classification Process June 2021. Collection method: clinical testing. Allele origin: germline.
Comment: In-frame deletion of 1 amino acid in a non-repeat region; Has not been previously published as pathogenic or benign to our knowledge; Not observed at significant frequency in large population cohorts (gnomAD); In silico analysis suggests that this variant does not alter protein structure/function

Labcorp Genetics (formerly Invitae), Labcorp
Classification: Uncertain significance. Last evaluated: 2026-01-19. Review status: criteria provided, single submitter. Criteria: Invitae Variant Classification Sherloc (09022015). Collection method: clinical testing. Allele origin: germline.
Comment: This variant, c.4300_4302del, results in the deletion of 1 amino acid(s) of the ALPK3 protein (p.Glu1434del), but otherwise preserves the integrity of the reading frame. This variant is not present in population databases (gnomAD no frequency). This variant has not been reported in the literature in individuals affected with ALPK3-related conditions. Experimental studies and prediction algorithms are not available or were not evaluated, and the functional significance of this variant is currently unknown. In summary, the available evidence is currently insufficient to determine the role of this variant in disease. Therefore, it has been classified as a Variant of Uncertain Significance.

Molecular Diagnostic Laboratory for Inherited Cardiovascular Disease, Montreal Heart Institute
Classification: Uncertain significance for Cardiovascular phenotype. Last evaluated: 2025-04-09. Review status: criteria provided, single submitter. Criteria: ACMG Guidelines, 2015. Collection method: clinical testing. Allele origin: germline. Affected: yes.
Comment: PM2, PM4

Ambry Genetics
Classification: Uncertain significance for Cardiovascular phenotype. Last evaluated: 2021-11-16. Review status: criteria provided, single submitter. Criteria: Ambry Variant Classification Scheme 2023. Collection method: clinical testing. Allele origin: germline.
Comment: The c.4300_4302delGAG variant (also known as p.E1434del) is located in coding exon 6 of the ALPK3 gene. This variant results from an in-frame GAG deletion at nucleotide positions 4300 to 4302. This results in the in-frame deletion of a glutamic acid at codon 1434. This nucleotide position is not well conserved to highly conserved in available vertebrate species. This amino acid position is well conserved in available vertebrate species. In addition, the in silico prediction for this alteration is inconclusive (Choi Y et al. PLoS ONE. 2012; 7(10):e46688). Since supporting evidence is limited at this time, the clinical significance of this alteration remains unclear.